The following is an entry in ClinVar:

ClinVar aggregate classification (germline): Uncertain significance (1 of 4 stars; one submission).

Conditions:
Autosomal dominant cerebellar ataxia. Also called: Spinocerebellar Ataxia, Dominant. Identifiers: Orphanet 99, MedGen C4087347, MONDO:0020380.

Allele frequency attached by ClinVar (database versions not stated): gnomAD 0.00001; gnomAD exomes 0.00002; TOPMed 0.00002; ExAC 0.00003.
gnomAD v4.1: 29 of 1,613,150 alleles (0.0018%); highest among the groups gnomAD compares: Non-Finnish European, 0.0024%; no homozygotes.

Submission:

Molecular Genetics, Royal Melbourne Hospital
Classification: Uncertain significance for Autosomal dominant cerebellar ataxia. Last evaluated: 2020-11-30. Review status: criteria provided, single submitter. Criteria: ACMG Guidelines, 2015. Collection method: clinical testing. Allele origin: germline. Affected: yes.
Comment: This sequence change is predicted to replace arginine with cysteine at codon 233 of the MTCL1 protein (p.(Arg233Cys)). The arginine residue is highly conserved (100 vertebrates, UCSC), and is located in the coiled coil domain (PMID: 23902687). There is a large physicochemical difference between arginine and cysteine. The variant is present in a large population cohort at a frequency of 0.002% (rs758581749, 4/248,576 alleles, 0 homozygotes in gnomAD v2.1), and has not been reported in the relevant medical literature or databases. Multiple lines of computational evidence predict a deleterious effect for the missense substitution (5/6 algorithms). Based on the classification scheme RMH Modified ACMG Guidelines v1.3.1, this variant is classified as a VARIANT OF UNCERTAIN SIGNIFICANCE. Following criteria are met: PP3.

Literature cited by the submitters: PubMed 23902687.

NM_001395333.1(MTCL1):c.1777C>T (p.Arg593Cys)

Gene: MTCL1 (microtubule crosslinking factor 1; plus strand). Cytogenetic location: 18p11.22.
Variant type: single nucleotide variant.
Coding change: c.1777C>T on transcript NM_001395333.1 (MANE Select); coding-DNA position 1777, C replaced by T.
Protein change: p.Arg593Cys; replaces arginine 593 with cysteine.
Molecular consequence: missense variant.
Genome position (GRCh38, 1-based): chr18:8,783,809, C>T. VCF-style: chr18-8783809-C-T. GRCh37 (hg19) VCF-style: chr18-8783807-C-T.
Other names: c.1777C>T, p.Arg593Cys (NM_001378205.1, NM_001378206.1, NM_001378207.1); c.697C>T, p.Arg233Cys (NM_001395220.1, NM_015210.4); short protein forms R233C, R593C.
Identifiers: ClinVar variation 1678639 (VCV001678639.3), dbSNP rs758581749, ClinGen allele CA8885640.